The following is an entry in ClinVar:

NM_000169.3(GLA):c.1117G>C (p.Gly373Arg)

Genes: GLA (galactosidase alpha; minus strand), RPL36A-HNRNPH2 (RPL36A-HNRNPH2 readthrough; plus strand). Cytogenetic location: Xq22.1.
Variant type: single nucleotide variant.
Coding change: c.1117G>C on transcript NM_000169.3 (MANE Select); coding-DNA position 1117, G replaced by C.
Protein change: p.Gly373Arg; replaces glycine 373 with arginine.
Molecular consequence: missense variant. On other transcripts: non-coding transcript variant (3), intron variant (2).
Genome position (GRCh38, 1-based): chrX:101,397,982, C>G on the plus strand (G>C on the coding strand, the complement: GLA is on the minus strand). VCF-style: chrX-101397982-C-G. GRCh37 (hg19) VCF-style: chrX-100652970-C-G.
Other names: c.1240G>C, p.Gly414Arg (NM_001406747.1); c.300+2525C>G (NM_001199973.2); c.177+6160C>G (NM_001199974.2); short protein forms G373R, G414R.
Identifiers: ClinVar variation 3854127 (VCV003854127.3).

ClinVar aggregate classification (germline): Likely pathogenic. Review status: criteria provided, multiple submitters, no conflicts (2 of 4 stars). 2 submissions from 2 submitters: Likely pathogenic (2). Last evaluated 2026-09-08.

Conditions:
Fabry disease. Also called: Fabry's disease; ALPHA-GALACTOSIDASE A DEFICIENCY; ANDERSON-FABRY DISEASE; CERAMIDE TRIHEXOSIDASE DEFICIENCY; GLA DEFICIENCY; HEREDITARY DYSTOPIC LIPIDOSIS. Identifiers: Orphanet 324, MedGen C0002986, MONDO:0010526, OMIM 301500, HP:0001071. Disease mechanism: Fabry disease is due to inactivating mutations in the X-linked GLA gene resulting in deficiency of the enzyme Alpha Galactosidase-A., loss of function.
Cardiovascular phenotype. Identifiers: MedGen CN230736.

Submissions (2):

Genomenon, Inc
Classification: Likely pathogenic for Fabry disease. Last evaluated: 2026-09-08. Review status: criteria provided, single submitter. Criteria: Genomenon Sequence Variant Interpretation Standards - Updated. Collection method: curation. Allele origin: germline. Affected: yes.
Comment: GLA p.Gly373Arg (c.1117G>C) is a missense variant that changes the amino acid at codon 373 from Glycine to Arginine. This variant has been observed in at least one proband with clinical features consistent with Fabry disease (PMID:25955246;32418857). At least one functional study has demonstrated a substantial alteration in protein function relative to the wild-type (PMID:27657681). It is absent or not present at a significant frequency in gnomAD. In silico models predict that this variant is possibly or probably damaging. In conclusion, we classify GLA p.Gly373Arg (c.1117G>C) as a likely pathogenic variant.

Ambry Genetics
Classification: Likely pathogenic for Cardiovascular phenotype. Last evaluated: 2024-12-30. Review status: criteria provided, single submitter. Criteria: Ambry Variant Classification Scheme 2023. Collection method: clinical testing. Allele origin: germline.
Comment: The c.1117G>C (p.G373R) alteration is located in exon 7 (coding exon 7) of the GLA gene. This alteration results from a G to C substitution at nucleotide position 1117, causing the glycine (G) at amino acid position 373 to be replaced by an arginine (R). This variant was not reported in population-based cohorts in the Genome Aggregation Database (gnomAD). This variant was reported as hemizygous in an individual with features consistent with Fabry disease (Wijburg, 2015). Another variant at the same codon, c.1118G>A (p.G373D) has been identified in individuals with features consistent with Fabry disease (Germain, 2001; Nakao, 2003; Yoshimitsu, 2011). This amino acid position is well conserved in available vertebrate species. This alteration is predicted to be deleterious by in silico analysis. Based on the available evidence, this alteration is classified as likely pathogenic.

Literature cited by the submitters: PubMed 25955246 (cited by Genomenon, Inc and Ambry Genetics); PubMed 32418857 (cited by Genomenon, Inc); PubMed 27657681 (cited by Genomenon, Inc); PubMed 11295840 (cited by Ambry Genetics); PubMed 12911529 (cited by Ambry Genetics); PubMed 21333496 (cited by Ambry Genetics).